The following is an entry in ClinVar:

NM_052813.5(CARD9):c.1520C>T (p.Ala507Val)

Gene: CARD9 (caspase recruitment domain family member 9; minus strand). Cytogenetic location: 9q34.3.
Variant type: single nucleotide variant.
Coding change: c.1520C>T on transcript NM_052813.5 (MANE Select); coding-DNA position 1520, C replaced by T.
Protein change: p.Ala507Val; replaces alanine 507 with valine.
Molecular consequence: missense variant. On other transcripts: intron variant (1).
Genome position (GRCh38, 1-based): chr9:136,364,393, G>A on the plus strand (C>T on the coding strand, the complement: CARD9 is on the minus strand). VCF-style: chr9-136364393-G-A. GRCh37 (hg19) VCF-style: chr9-139258845-G-A.
Other names: c.1441+160C>T (NM_052814.4); short protein forms A507V.
Identifiers: ClinVar variation 1479315 (VCV001479315.8), dbSNP rs1405347175, ClinGen allele CA375540838.
Genomic context (GRCh38, chr9:136,364,393, plus strand): 5'-CCCGTGGTGTTCTCCCGGTCCTCCTCCCCCTGCCGCCATCCTTTCTGCATCTTCCTGAGG[G>A]CGCGCTTCCTGTGAAGACAGGTGTCTCAGGCGCGACCCGGCTGCCGCTCCCCAGCCCGTT-3'
Protein context (NP_434700.2, residues 497-517): ESFENYRRKR[Ala507Val]LRKMQKGWRQ

ClinVar aggregate classification (germline): Uncertain significance (1 of 4 stars; one submission).

Conditions:
Predisposition to invasive fungal disease due to CARD9 deficiency (IMD103). Also called: CARD9 IMMUNODEFICIENCY; Candidiasis, familial, 2, autosomal recessive; IMMUNODEFICIENCY 103, SUSCEPTIBILITY TO FUNGAL INFECTIONS. Identifiers: Orphanet 457088, MedGen C1859353, MONDO:0008905, OMIM 212050.

Allele frequency attached by ClinVar (database versions not stated): gnomAD exomes below 0.00001 and 0.00001.
gnomAD v4.1: 2 of 1,556,160 alleles (0.00013%); highest among the groups gnomAD compares: Admixed American, 0.0038%; no homozygotes.

Submission:

Labcorp Genetics (formerly Invitae), Labcorp
Classification: Uncertain significance for Predisposition to invasive fungal disease due to CARD9 deficiency. Last evaluated: 2020-12-18. Review status: criteria provided, single submitter. Criteria: Invitae Variant Classification Sherloc (09022015). Collection method: clinical testing. Allele origin: germline.
Comment: In summary, the available evidence is currently insufficient to determine the role of this variant in disease. Therefore, it has been classified as a Variant of Uncertain Significance. Algorithms developed to predict the effect of missense changes on protein structure and function (SIFT, PolyPhen-2, Align-GVGD) all suggest that this variant is likely to be tolerated, but these predictions have not been confirmed by published functional studies and their clinical significance is uncertain. This variant has not been reported in the literature in individuals with CARD9-related conditions. This variant is not present in population databases (ExAC no frequency). This sequence change replaces alanine with valine at codon 507 of the CARD9 protein (p.Ala507Val). The alanine residue is highly conserved and there is a small physicochemical difference between alanine and valine.